The following is an entry in ClinVar:

ClinVar aggregate classification (germline): Uncertain significance. Review status: criteria provided, multiple submitters, no conflicts (2 of 4 stars). 2 submissions from 2 submitters: Uncertain significance (2). Last evaluated 2026-09-06.

Conditions:
Hereditary cancer-predisposing syndrome. Also called: Hereditary Cancer Syndrome; Hereditary neoplastic syndrome; Neoplastic Syndromes, Hereditary; Tumor predisposition. Identifiers: Orphanet 140162, MedGen C0027672, MeSH D009386, MONDO:0015356.
Hereditary breast ovarian cancer syndrome. Also called: Hereditary breast and ovarian cancer syndrome; Hereditary breast and/or ovarian cancer syndrome; Hereditary breast and ovarian cancer syndrome (HBOC); BRCA1- and BRCA2-Associated Hereditary Breast and Ovarian Cancer; Hereditary breast and ovarian cancer; Breast and ovarian cancer. Identifiers: Orphanet 145, MedGen C0677776, MeSH D061325, MONDO:0003582. Disease mechanism: loss of function.

Submissions (2):

Ambry Genetics
Classification: Uncertain significance for Hereditary cancer-predisposing syndrome. Last evaluated: 2026-09-06. Review status: criteria provided, single submitter. Criteria: Ambry Variant Classification Scheme 2023. Collection method: clinical testing. Allele origin: germline.
Comment: The p.K1536T variant (also known as c.4607A>C), located in coding exon 10 of the BRCA2 gene, results from an A to C substitution at nucleotide position 4607. The lysine at codon 1536 is replaced by threonine, an amino acid with similar properties. This amino acid position is conserved. In addition, the in silico prediction for this alteration is inconclusive. Based on the available evidence, the clinical significance of this variant remains unclear.

Labcorp Genetics (formerly Invitae), Labcorp
Classification: Uncertain significance for Hereditary breast ovarian cancer syndrome. Last evaluated: 2023-11-27. Review status: criteria provided, single submitter. Criteria: Invitae Variant Classification Sherloc (09022015). Collection method: clinical testing. Allele origin: germline.
Comment: This sequence change replaces lysine, which is basic and polar, with threonine, which is neutral and polar, at codon 1536 of the BRCA2 protein (p.Lys1536Thr). This variant is not present in population databases (gnomAD no frequency). This variant has not been reported in the literature in individuals affected with BRCA2-related conditions. Advanced modeling of protein sequence and biophysical properties (such as structural, functional, and spatial information, amino acid conservation, physicochemical variation, residue mobility, and thermodynamic stability) performed at Invitae indicates that this missense variant is not expected to disrupt BRCA2 protein function with a negative predictive value of 95%. In summary, the available evidence is currently insufficient to determine the role of this variant in disease. Therefore, it has been classified as a Variant of Uncertain Significance.

NM_000059.4(BRCA2):c.4607A>C (p.Lys1536Thr)

Gene: BRCA2 (BRCA2 DNA repair associated; plus strand). Cytogenetic location: 13q13.1.
Variant type: single nucleotide variant.
Coding change: c.4607A>C on transcript NM_000059.4 (MANE Select); coding-DNA position 4607, A replaced by C.
Protein change: p.Lys1536Thr; replaces lysine 1536 with threonine.
Molecular consequence: missense variant. On other transcripts: non-coding transcript variant (1), intron variant (2).
Genome position (GRCh38, 1-based): chr13:32,338,962, A>C. VCF-style: chr13-32338962-A-C. GRCh37 (hg19) VCF-style: chr13-32913099-A-C.
Other names: c.4607A>C, p.Lys1536Thr (NM_001406719.1, NM_001406720.1); c.1909+5575A>C (NM_001406721.1); c.425-5596A>C (NM_001406722.1); short protein forms K1536T.
Identifiers: ClinVar variation 2917022 (VCV002917022.4), dbSNP rs2137508225, ClinGen allele CA387781993.
Genomic context (GRCh38, chr13:32,338,962, plus strand): 5'-TCAAAGAACCTACTCTATTGGGTTTTCATACAGCTAGCGGGAAAAAAGTTAAAATTGCAA[A>C]GGAATCTTTGGACAAAGTGAAAAACCTTTTTGATGAAAAAGAGCAAGGTACTAGTGAAAT-3'
Protein context (NP_000050.3, residues 1526-1546): TASGKKVKIA[Lys1536Thr]ESLDKVKNLF